The following is an entry in ClinVar:

ClinVar aggregate classification (germline): Likely pathogenic. Review status: criteria provided, multiple submitters, no conflicts (2 of 4 stars). 2 submissions from 2 submitters: Likely pathogenic (2). Last evaluated 2026-03-01.

Conditions:
Autosomal recessive limb-girdle muscular dystrophy type 2J (LGMDR10). Also called: Limb-girdle muscular dystrophy, type 2J; MUSCULAR DYSTROPHY, LIMB-GIRDLE, AUTOSOMAL RECESSIVE 10. Identifiers: Orphanet 140922, MedGen C1837342, MONDO:0012127, OMIM 608807.
Dilated cardiomyopathy 1G (CMD1G). Identifiers: Orphanet 154, MedGen C1858763, MONDO:0011400, OMIM 604145.

Submissions (2):

CeGaT Center for Human Genetics Tuebingen
Classification: Likely pathogenic. Last evaluated: 2026-03-01. Review status: criteria provided, single submitter. Criteria: CeGaT Center For Human Genetics Tuebingen Variant Classification Criteria Version 2. Collection method: clinical testing. Allele origin: germline. Affected: yes. Observed: 1 variant allele.
Comment: TTN: PVS1:Strong, PM2

Labcorp Genetics (formerly Invitae), Labcorp
Classification: Likely pathogenic for Dilated cardiomyopathy 1G; Autosomal recessive limb-girdle muscular dystrophy type 2J. Last evaluated: 2025-03-17. Review status: criteria provided, single submitter. Criteria: Invitae Variant Classification Sherloc (09022015). Collection method: clinical testing. Allele origin: germline.
Comment: This sequence change creates a premature translational stop signal (p.Lys31830Asnfs*14) in the TTN gene. While this is not anticipated to result in nonsense mediated decay, it is expected to create a truncated TTN protein. This variant is not present in population databases (gnomAD no frequency). This variant has not been reported in the literature in individuals affected with TTN-related conditions. This variant is located in the A band of TTN (PMID: 25589632). Truncating variants in this region are significantly overrepresented in patients affected with dilated cardiomyopathy (PMID: 25589632). Truncating variants in this region have also been reported in individuals affected with autosomal recessive centronuclear myopathy (PMID: 23975875). In summary, the currently available evidence indicates that the variant is pathogenic, but additional data are needed to prove that conclusively. Therefore, this variant has been classified as Likely Pathogenic.

Literature cited by the submitters: PubMed 25589632 (cited by Labcorp Genetics (formerly Invitae), Labcorp); PubMed 23975875 (cited by Labcorp Genetics (formerly Invitae), Labcorp).

NM_001267550.2(TTN):c.95490del (p.Lys31830fs)

Genes: TTN (titin; minus strand), TTN-AS1 (TTN antisense RNA 1; plus strand). Cytogenetic location: 2q31.2.
Variant type: Deletion.
Coding change: c.95490del on transcript NM_001267550.2 (MANE Select); coding-DNA position 95490, one base deleted (A; older notation c.95490delA).
Protein change: p.Lys31830fs; shifts the reading frame from lysine 31830.
Molecular consequence: frameshift variant.
Genome position (GRCh38, 1-based): chr2:178,545,620, T deleted on the plus strand (A on the coding strand, the reverse complement: TTN is on the minus strand); the first of 4 consecutive T bases (chr2:178,545,620-178,545,623); deleting any one gives the same sequence. VCF-style (leftmost placement, unchanged base first): chr2-178545619-GT-G. GRCh37 (hg19) VCF-style: chr2-179410346-GT-G.
Other names: c.90567del, p.Lys30189fs (NM_001256850.1); c.68295del, p.Lys22765fs (NM_003319.4); c.87786del, p.Lys29262fs (NM_133378.4); c.68670del, p.Lys22890fs (NM_133432.3); c.68871del, p.Lys22957fs (NM_133437.4); short protein forms K22765fs, K22890fs, K22957fs, K29262fs, K30189fs, K31830fs.
Identifiers: ClinVar variation 3750603 (VCV003750603.6).